The following is an entry in ClinVar:

ClinVar aggregate classification (germline): Benign (0 of 4 stars; one submission).

Conditions:
IKBKB-related disorder. Also called: IKBKB-related condition.

Allele frequency attached by ClinVar (database versions not stated): gnomAD 0.00223; gnomAD exomes 0.00289; 1000 Genomes Project 30x 0.00406; 1000 Genomes Project 0.00459; ExAC 0.01822.
gnomAD v4.1: 2,640 of 946,232 alleles (0.28%); highest among the groups gnomAD compares: South Asian, 2%; 36 homozygotes.

Submission:

PreventionGenetics, part of Exact Sciences
Classification: Benign for IKBKB-related condition. Last evaluated: 2019-10-31. Review status: no assertion criteria provided. Collection method: clinical testing. Allele origin: germline.
Comment: This variant is classified as benign based on ACMG/AMP sequence variant interpretation guidelines (Richards et al. 2015 PMID: 25741868, with internal and published modifications).

NM_001556.3(IKBKB):c.-40T>C

Genes: IKBKB (inhibitor of nuclear factor kappa B kinase subunit beta; plus strand), LOC130000299 (ATAC-STARR-seq lymphoblastoid silent region 19154; plus strand). Cytogenetic location: 8p11.21.
Variant type: single nucleotide variant.
Coding change: c.-40T>C on transcript NM_001556.3 (MANE Select); 40 bases upstream of the start codon, T replaced by C.
Molecular consequence: 5 prime UTR variant. On other transcripts: non-coding transcript variant (3).
Genome position (GRCh38, 1-based): chr8:42,271,448, T>C. VCF-style: chr8-42271448-T-C. GRCh37 (hg19) VCF-style: chr8-42128966-T-C.
Other names: c.-109T>C (NM_001190720.3); c.-122T>C (NM_001242778.2).
Identifiers: ClinVar variation 3042121 (VCV003042121.2), dbSNP rs565023239, ClinGen allele CA4731519.